The following is an entry in ClinVar:

ClinVar aggregate classification (germline): Uncertain significance (1 of 4 stars; one submission).

Conditions:
Inborn genetic diseases. Identifiers: MedGen C0950123, MeSH D030342.

Submission:

Ambry Genetics
Classification: Uncertain significance for Inborn genetic diseases. Last evaluated: 2024-02-28. Review status: criteria provided, single submitter. Criteria: Ambry Variant Classification Scheme 2023. Collection method: clinical testing. Allele origin: germline.
Comment: The p.M402I variant (also known as c.1206G>T), located in coding exon 11 of the LRRK2 gene, results from a G to T substitution at nucleotide position 1206. The methionine at codon 402 is replaced by isoleucine, an amino acid with highly similar properties. This amino acid position is conserved. In addition, the in silico prediction for this alteration is inconclusive. Based on the available evidence, the clinical significance of this alteration remains unclear.

NM_198578.4(LRRK2):c.1206G>T (p.Met402Ile)

Gene: LRRK2 (leucine rich repeat kinase 2; plus strand). Cytogenetic location: 12q12.
Variant type: single nucleotide variant.
Coding change: c.1206G>T on transcript NM_198578.4 (MANE Select); coding-DNA position 1206, G replaced by T.
Protein change: p.Met402Ile; replaces methionine 402 with isoleucine.
Molecular consequence: missense variant.
Genome position (GRCh38, 1-based): chr12:40,252,934, G>T. VCF-style: chr12-40252934-G-T. GRCh37 (hg19) VCF-style: chr12-40646736-G-T.
Other names: short protein forms M402I.
Identifiers: ClinVar variation 3229503 (VCV003229503.1), dbSNP rs2499514591, ClinGen allele CA384409251.